The following is an entry in ClinVar:

NM_001009944.3(PKD1):c.1198C>T (p.Arg400Ter)

Gene: PKD1 (polycystin 1, transient receptor potential channel interacting; minus strand). Cytogenetic location: 16p13.3.
Variant type: single nucleotide variant.
Coding change: c.1198C>T on transcript NM_001009944.3 (MANE Select); coding-DNA position 1198, C replaced by T.
Protein change: p.Arg400Ter; replaces arginine 400 with a stop codon.
Molecular consequence: nonsense.
Genome position (GRCh38, 1-based): chr16:2,117,794, G>A on the plus strand (C>T on the coding strand, the complement: PKD1 is on the minus strand). VCF-style: chr16-2117794-G-A. GRCh37 (hg19) VCF-style: chr16-2167795-G-A.
Other names: c.1198C>T, p.Arg400Ter (NM_000296.4); short protein forms R400*.
Identifiers: ClinVar variation 618300 (VCV000618300.23), dbSNP rs774453006, ClinGen allele CA394392945.

ClinVar aggregate classification (germline): Pathogenic/Likely pathogenic. Review status: criteria provided, multiple submitters, no conflicts (2 of 4 stars). 11 submissions from 11 submitters: Pathogenic (8); Likely pathogenic (1). 2 of the submissions do not count toward it. Last evaluated 2026-06-23.

Conditions:
Inborn genetic diseases. Identifiers: MedGen C0950123, MeSH D030342.
Polycystic kidney disease, adult type (PKD1). Also called: POLYCYSTIC KIDNEY DISEASE, ADULT, TYPE I; Polycystic Kidney, Autosomal Dominant; Polycystic Kidney Disease 1, Autosomal Dominant; Polycystic kidney disease 1; Polycystic kidney disease 1, severe; POLYCYSTIC KIDNEY DISEASE 1 WITH OR WITHOUT POLYCYSTIC LIVER DISEASE. Identifiers: MedGen C3149841, MONDO:0008263, OMIM 173900.
Polycystic kidney disease. Also called: Polycystic kidney dysplasia; Kidney, Polycystic. Identifiers: MedGen C0022680, MeSH D007690, MONDO:0020642, HP:0000113.
PKD1-related disorder. Also called: PKD1-related condition.

Allele frequency attached by ClinVar (database versions not stated): gnomAD exomes 0.00001.

Submissions (11):

Institute of Human Genetics, University of Leipzig Medical Center
Classification: Likely pathogenic for Polycystic kidney disease, adult type. Last evaluated: 2026-06-23. Review status: criteria provided, single submitter. Criteria: ACMG Guidelines, 2015. Collection method: clinical testing. Allele origin: unknown. Inheritance: Autosomal dominant inheritance. Affected: yes.
Comment: Criteria applied: PVS1,PM2_SUP

GeneDx
Classification: Pathogenic. Last evaluated: 2026-01-06. Review status: criteria provided, single submitter. Criteria: GeneDx Variant Classification Process June 2021. Collection method: clinical testing. Allele origin: germline. Affected: yes.
Comment: Nonsense variant predicted to result in protein truncation or nonsense mediated decay in a gene for which loss-of-function is a known mechanism of disease; Not observed at significant frequency in large population cohorts (gnomAD); This variant is associated with the following publications: (PMID: 40282368, 25525159, 30333007, 31740684, 23300259, 11840199, 32970388, 36186434, DurkieM2023[Article], 37372416, LiuY2023[Preprint], 16049073, 39291187, 38527221)

PreventionGenetics, part of Exact Sciences
Classification: Pathogenic for PKD1-related condition. Last evaluated: 2025-10-23. Review status: criteria provided, single submitter. Criteria: ACMG Guidelines, 2015. Collection method: clinical testing. Allele origin: germline.
Comment: The PKD1 c.1198C>T variant is predicted to result in premature protein termination (p.Arg400*). This variant has been reported to be pathogenic for autosomal dominant polycystic kidney disease (ADPKD) (see for example, He et al. 2018. PubMed ID: 30333007; Supplementary Tables, Kim et al. 2019. PubMed ID: 31740684). This variant is reported in 0.0039% of alleles in individuals of European (Non-Finnish) descent in gnomAD. Nonsense variants in PKD1 are expected to be pathogenic. This variant is interpreted as pathogenic.

Ambry Genetics
Classification: Pathogenic for Inborn genetic diseases. Last evaluated: 2025-06-13. Review status: criteria provided, single submitter. Criteria: Ambry Variant Classification Scheme 2023. Collection method: clinical testing. Allele origin: germline.
Comment: The c.1198C>T (p.R400*) alteration, located in coding exon 5 of the PKD1 gene, consists of a C to T substitution at nucleotide position 1198. This changes the amino acid from a arginine (R) to a stop codon at amino acid position 400. This alteration is expected to result in loss of function by premature protein truncation or nonsense-mediated mRNA decay. This allele was reported in one heterozygous individual in population-based cohorts in the Genome Aggregation Database (gnomAD). This variant was reported in individual(s) with features consistent with PKD1-related polycystic kidney disease (Nigro, 2023; Dong, 2020; Sch&ouml;nauer, 2020; Kim, 2019; He, 2018; Chang, 2013; Peters, 2001). Based on the available evidence, this alteration is classified as pathogenic.

Victorian Clinical Genetics Services, Murdoch Childrens Research Institute
Classification: Pathogenic for Polycystic kidney disease, adult type. Last evaluated: 2023-07-17. Review status: criteria provided, single submitter. Criteria: ACMG Guidelines, 2015. Collection method: clinical testing. Allele origin: germline. Inheritance: Autosomal dominant inheritance. Affected: yes.
Comment: Based on the classification scheme VCGS_Germline_v1.3.4, this variant is classified as Pathogenic. Following criteria are met: 0102 - Loss of function is a known mechanism of disease in this gene and is associated with polycystic kidney disease 1 (MIM#173900). (I) 0107 - This gene is associated with autosomal dominant disease. Polycystic kidney disease 1 (MIM#173900) is predominantly caused by monoallelic variants, with rare reports of biallelic variants causing disease (OMIM). (I) 0201 - Variant is predicted to cause nonsense-mediated decay (NMD) and loss of protein (premature termination codon is located at least 54 nucleotides upstream of the final exon-exon junction). (SP) 0251 - This variant is heterozygous. (I) 0302 - Variant is present in gnomAD (v2) <0.001 for a dominant condition (1 heterozygote, 0 homozygotes). (SP) 0701 - Other NMD-predicted variants comparable to the one identified in this case have very strong previous evidence for pathogenicity. These variants have been reported many times as pathogenic (DECIPHER). (SP) 0801 - This variant has strong previous evidence of pathogenicity in unrelated individuals. This variant has been reported multiple times as pathogenic, and observed in at least five individuals with polycystic kidney disease (ClinVar). (SP) 1208 - Inheritance information for this variant is not currently available in this individual. (I) Legend: (SP) - Supporting pathogenic, (I) - Information, (SB) - Supporting benign

Athena Diagnostics
Classification: Pathogenic. Last evaluated: 2020-09-29. Review status: criteria provided, single submitter. Criteria: Athena Diagnostics criteria. Collection method: clinical testing. Allele origin: unknown.
Comment: This variant is expected to result in the loss of a functional protein. The frequency of this variant in the general population is consistent with pathogenicity. Assessment of experimental evidence regarding the effect of this variant on protein function is inconclusive. Study using patient-derived samples showed increased activator protein-1 (AP-1) activity; however its contribution to the mechanism of disease is uncertain (PMID:16049073). This variant has been identified in at least one individual with clinical features associated with this gene.

Blueprint Genetics
Classification: Pathogenic for PKD1-related disorders. Last evaluated: 2020-07-21. Review status: criteria provided, single submitter. Criteria: ACMG Guidelines, 2015. Collection method: clinical testing. Allele origin: germline. Affected: yes. Observed: 4 variant alleles.

ARUP Laboratories, Molecular Genetics and Genomics, ARUP Laboratories
Classification: Pathogenic. Last evaluated: 2017-09-22. Review status: criteria provided, single submitter. Criteria: ARUP Molecular Germline Variant Investigation Process. Collection method: clinical testing. Allele origin: germline.

Juno Genomics, Hangzhou Juno Genomics, Inc
Classification: Pathogenic for Polycystic kidney disease, adult type. Review status: criteria provided, single submitter. Criteria: ACMG Guidelines, 2015. Collection method: clinical testing. Allele origin: germline. Affected: yes.
Comment: Null variant in a gene where loss of function (LOF) is a known mechanism of disease.;Absent from controls (or at extremely low frequency if recessive) in Genome Aggregation Database, Exome Sequencing Project, 1000 Genomes Project, or Exome Aggregation Consortium.;The prevalence of the variant in affected individuals is significantly increased compared to the prevalence in controls.;Patient's phenotype or family history is highly specific for a disease with a single genetic etiology.

Prenatal Diagnosis Center, Inner Mongolia Medical University
Classification: Pathogenic for Polycystic kidney disease, adult type. Last evaluated: 2021-03-18. Review status: no assertion criteria provided. Collection method: clinical testing. Allele origin: de novo. Affected: yes. Observed: 1 variant allele. Not counted in ClinVar's aggregate classification.

Department of Pathology and Laboratory Medicine, Sinai Health System
Classification: Pathogenic for Polycystic Kidney disease. Review status: no assertion criteria provided. Collection method: clinical testing. Allele origin: unknown. Affected: yes. Study: The Canadian Open Genetics Repository (COGR). Not counted in ClinVar's aggregate classification.
Comment: The PKD1 p.Arg400* variant was identified in 2 of 252 proband chromosomes (frequency: 0.008) from individuals or families with ADPKD (He 2018, Peters 2001). The variant was also identified in ADPKD Mutation Database (2x as definitely Pathogenic). The variant was not identified in dbSNP, ClinVar, LOVD 3.0, or PKD1-LOVD databases. The variant was identified in control databases in 1 of 66922 chromosomes at a frequency of 0.00002 (Genome Aggregation Database Feb 27, 2017). The variant was observed in the European population in 1 of 22954 chromosomes (freq: 0.00004), while the variant was not observed in the African, Other, Latino, Ashkenazi Jewish, East Asian, Finnish, or South Asian populations. In addition, we cannot be certain that data from control databases is specific to PKD1 and not from one of the six PKD1 pseudogenes. The p.Arg400* variant leads to a premature stop codon at position 400, which is predicted to lead to a truncated or absent protein and loss of function. Loss of function variants of the PKD1 gene are an established mechanism of disease in autosomal dominant polycystic kidney disease and is the type of variant expected to cause the disorder. In summary, based on the above information, this variant meets our laboratoryâ€šÃ„Ã´s criteria to be classified as pathogenic.

Literature cited by the submitters: PubMed 11840199 (cited by Ambry Genetics and Athena Diagnostics); PubMed 23985799 (cited by Ambry Genetics); PubMed 30333007 (cited by Ambry Genetics and Athena Diagnostics); PubMed 31740684 (cited by Ambry Genetics and Athena Diagnostics); PubMed 32398770 (cited by Ambry Genetics); PubMed 32970388 (cited by Ambry Genetics); PubMed 37372416 (cited by Ambry Genetics); PubMed 16049073 (cited by Athena Diagnostics).